The following is an entry in ClinVar:

NM_018230.3(NUP133):c.2651G>A (p.Arg884Gln)

Gene: NUP133 (nucleoporin 133; minus strand). Cytogenetic location: 1q42.13.
Variant type: single nucleotide variant.
Coding change: c.2651G>A on transcript NM_018230.3 (MANE Select); coding-DNA position 2651, G replaced by A.
Protein change: p.Arg884Gln; replaces arginine 884 with glutamine.
Molecular consequence: missense variant.
Genome position (GRCh38, 1-based): chr1:229,463,577, C>T on the plus strand (G>A on the coding strand, the complement: NUP133 is on the minus strand). VCF-style: chr1-229463577-C-T. GRCh37 (hg19) VCF-style: chr1-229599324-C-T.
Other names: short protein forms R884Q.
Identifiers: ClinVar variation 1944007 (VCV001944007.5), dbSNP rs370204608, ClinGen allele CA1443233.

ClinVar aggregate classification (germline): Uncertain significance (1 of 4 stars; one submission).

gnomAD v4.1: 11 of 1,613,908 alleles (0.00068%); highest among the groups gnomAD compares: African/African-American, 0.0067%; no homozygotes.

Submission:

Labcorp Genetics (formerly Invitae), Labcorp
Classification: Uncertain significance. Last evaluated: 2025-06-12. Review status: criteria provided, single submitter. Criteria: Invitae Variant Classification Sherloc (09022015). Collection method: clinical testing. Allele origin: germline.
Comment: This sequence change replaces arginine, which is basic and polar, with glutamine, which is neutral and polar, at codon 884 of the NUP133 protein (p.Arg884Gln). This variant is present in population databases (rs370204608, gnomAD 0.02%). This variant has not been reported in the literature in individuals affected with NUP133-related conditions. ClinVar contains an entry for this variant (Variation ID: 1944007). An algorithm developed to predict the effect of missense changes on protein structure and function (PolyPhen-2) suggests that this variant is likely to be disruptive. In summary, the available evidence is currently insufficient to determine the role of this variant in disease. Therefore, it has been classified as a Variant of Uncertain Significance.